The following is an entry in ClinVar:

NM_001145809.2(MYH14):c.1992G>A (p.Pro664=)

Gene: MYH14 (myosin heavy chain 14; plus strand). Cytogenetic location: 19q13.33.
Variant type: single nucleotide variant.
Coding change: c.1992G>A on transcript NM_001145809.2 (MANE Select); coding-DNA position 1992, G replaced by A.
Protein change: p.Pro664=; no amino-acid change (proline 664 retained).
Molecular consequence: synonymous variant. On other transcripts: intron variant (2).
Genome position (GRCh38, 1-based): chr19:50,255,266, G>A. VCF-style: chr19-50255266-G-A. GRCh37 (hg19) VCF-style: chr19-50758523-G-A.
Other names: c.1946-2033G>A (NM_001077186.2); c.1922-2033G>A (NM_024729.4).
Identifiers: ClinVar variation 44053 (VCV000044053.33), dbSNP rs192745436, ClinGen allele CA133471.

ClinVar aggregate classification (germline): Likely benign. Review status: criteria provided, multiple submitters, no conflicts (2 of 4 stars). 5 submissions from 5 submitters: Likely benign (3). 2 of the submissions do not count toward it. Last evaluated 2024-08-27.

Allele frequency attached by ClinVar (database versions not stated): ExAC 0.00061; gnomAD exomes 0.00073; gnomAD 0.00086 and 0.00088; TOPMed 0.00091; 1000 Genomes Project 0.00160; 1000 Genomes Project 30x 0.00187.
gnomAD v4.1: 1,148 of 1,551,274 alleles (0.074%); highest among the groups gnomAD compares: African/African-American, 0.17%; no homozygotes.

Submissions (5):

Blueprint Genetics
Classification: Likely benign. Last evaluated: 2024-08-27. Review status: criteria provided, single submitter. Criteria: ACMG Guidelines, 2015. Collection method: clinical testing. Allele origin: germline.

CeGaT Center for Human Genetics Tuebingen
Classification: Likely benign. Last evaluated: 2023-08-01. Review status: criteria provided, single submitter. Criteria: CeGaT Center For Human Genetics Tuebingen Variant Classification Criteria Version 2. Collection method: clinical testing. Allele origin: germline. Affected: yes. Observed: 1 variant allele.
Comment: MYH14: BP4, BP7, BS1

Laboratory for Molecular Medicine, Mass General Brigham Personalized Medicine
Classification: Likely benign. Last evaluated: 2013-06-25. Review status: criteria provided, single submitter. Criteria: LMM Criteria. Collection method: clinical testing. Allele origin: germline. Observed: 3 variant alleles.
Comment: Pro664Pro in Exon 17 of MYH14: This variant is not expected to have clinical sig nificance because it does not alter an amino acid residue, is not located within the splice consensus sequence, and has been identified in 0.02% (4/2178) chrom osomes by the 1000 Genomes Project (dbSNP rs192745436).

Clinical Genetics DNA and cytogenetics Diagnostics Lab, Erasmus MC, Erasmus Medical Center
Classification: Likely benign. Review status: no assertion criteria provided. Collection method: clinical testing. Allele origin: germline. Affected: yes. Study: VKGL Data-share Consensus. Not counted in ClinVar's aggregate classification.

Clinical Genetics, Academic Medical Center
Classification: Benign. Review status: no assertion criteria provided. Collection method: clinical testing. Allele origin: germline. Affected: yes. Study: VKGL Data-share Consensus. Not counted in ClinVar's aggregate classification.